The following is an entry in ClinVar:

ClinVar aggregate classification (germline): Likely benign. Review status: criteria provided, multiple submitters, no conflicts (2 of 4 stars). 3 submissions from 3 submitters: Likely benign (3). Last evaluated 2026-01-15.

Allele frequency attached by ClinVar (database versions not stated): ExAC 0.00005; gnomAD exomes 0.00006; gnomAD 0.00009 and 0.00011; 1000 Genomes Project 30x 0.00016; TOPMed 0.00016.
gnomAD v4.1: 94 of 1,613,852 alleles (0.0058%); highest among the groups gnomAD compares: Admixed American, 0.023%; no homozygotes.

Submissions (3):

Labcorp Genetics (formerly Invitae), Labcorp
Classification: Likely benign. Last evaluated: 2026-01-15. Review status: criteria provided, single submitter. Criteria: Invitae Variant Classification Sherloc (09022015). Collection method: clinical testing. Allele origin: germline.

CeGaT Center for Human Genetics Tuebingen
Classification: Likely benign. Last evaluated: 2024-07-01. Review status: criteria provided, single submitter. Criteria: CeGaT Center For Human Genetics Tuebingen Variant Classification Criteria Version 2. Collection method: clinical testing. Allele origin: germline. Affected: yes. Observed: 1 variant allele.
Comment: ASXL1: BP4

GeneDx
Classification: Likely benign. Last evaluated: 2021-10-11. Review status: criteria provided, single submitter. Criteria: GeneDx Variant Classification Process June 2021. Collection method: clinical testing. Allele origin: germline. Affected: yes.

NM_015338.6(ASXL1):c.472-5C>T

Gene: ASXL1 (ASXL transcriptional regulator 1; plus strand). Cytogenetic location: 20q11.21.
Variant type: single nucleotide variant.
Coding change: c.472-5C>T on transcript NM_015338.6 (MANE Select); 5 bases into the intron before coding-DNA position 472, C replaced by T.
Molecular consequence: intron variant.
Genome position (GRCh38, 1-based): chr20:32,429,333, C>T. VCF-style: chr20-32429333-C-T. GRCh37 (hg19) VCF-style: chr20-31017136-C-T.
Other names: c.442-5C>T (NM_001363734.1).
Identifiers: ClinVar variation 1095149 (VCV001095149.30), dbSNP rs766901686, ClinGen allele CA9808107.
Genomic context (GRCh38, chr20:32,429,333, plus strand): 5'-CCAGGGAATGCTTTTGTGGCTCTGCAGTTGACTTGGGCTCTCTTTTGTTCTCTCTTGGAA[C>T]GCAGGCGAACAAACAAAAGAAAAAGACTGGGGTGATGCTGCCTCGAGTTGTCCTGACTCC-3'